The following is an entry in ClinVar:

NM_152542.5(PPM1K):c.554C>A (p.Thr185Asn)

Gene: PPM1K (protein phosphatase, Mg2+/Mn2+ dependent 1K; minus strand). Cytogenetic location: 4q22.1.
Variant type: single nucleotide variant.
Coding change: c.554C>A on transcript NM_152542.5 (MANE Select); coding-DNA position 554, C replaced by A.
Protein change: p.Thr185Asn; replaces threonine 185 with asparagine.
Molecular consequence: missense variant.
Genome position (GRCh38, 1-based): chr4:88,268,894, G>T on the plus strand (C>A on the coding strand, the complement: PPM1K is on the minus strand). VCF-style: chr4-88268894-G-T. GRCh37 (hg19) VCF-style: chr4-89190046-G-T.
Other names: short protein forms T185N.
Identifiers: ClinVar variation 1427573 (VCV001427573.7), dbSNP rs866594106, ClinGen allele CA101405145.

ClinVar aggregate classification (germline): Uncertain significance. Review status: criteria provided, multiple submitters, no conflicts (2 of 4 stars). 2 submissions from 2 submitters: Uncertain significance (2). Last evaluated 2023-12-11.

Conditions:
Maple syrup urine disease, mild variant (MSUDMV). Identifiers: Orphanet 511, MedGen C3554575, MONDO:0014057, OMIM 615135.

Allele frequency attached by ClinVar (database versions not stated): gnomAD exomes below 0.00001 and 0.00003.
gnomAD v4.1: 39 of 1,607,792 alleles (0.0024%); highest among the groups gnomAD compares: Middle Eastern, 0.58%; 1 homozygote.

Submissions (2):

Labcorp Genetics (formerly Invitae), Labcorp
Classification: Uncertain significance for Maple syrup urine disease, mild variant. Last evaluated: 2023-12-11. Review status: criteria provided, single submitter. Criteria: Invitae Variant Classification Sherloc (09022015). Collection method: clinical testing. Allele origin: germline.
Comment: This sequence change replaces threonine, which is neutral and polar, with asparagine, which is neutral and polar, at codon 185 of the PPM1K protein (p.Thr185Asn). This variant is present in population databases (no rsID available, gnomAD 0.0009%). This variant has not been reported in the literature in individuals affected with PPM1K-related conditions. ClinVar contains an entry for this variant (Variation ID: 1427573). An algorithm developed to predict the effect of missense changes on protein structure and function (PolyPhen-2) suggests that this variant is likely to be tolerated. In summary, the available evidence is currently insufficient to determine the role of this variant in disease. Therefore, it has been classified as a Variant of Uncertain Significance.

Breakthrough Genomics
Classification: Uncertain significance. Review status: criteria provided, single submitter. Criteria: ACMG Guidelines, 2015. Collection method: not provided. Allele origin: germline. Inheritance: Autosomal recessive inheritance. Affected: yes.